The following is an entry in ClinVar:

ClinVar aggregate classification (germline): Uncertain significance (1 of 4 stars; one submission).

Conditions:
Hereditary breast ovarian cancer syndrome. Also called: Hereditary breast and ovarian cancer syndrome; Hereditary breast and ovarian cancer syndrome (HBOC); Hereditary breast and/or ovarian cancer syndrome; Hereditary breast and ovarian cancer; Breast and ovarian cancer; BRCA1- and BRCA2-Associated Hereditary Breast and Ovarian Cancer. Identifiers: Orphanet 145, MedGen C0677776, MeSH D061325, MONDO:0003582. Disease mechanism: loss of function.

Submission:

Labcorp Genetics (formerly Invitae), Labcorp
Classification: Uncertain significance for Hereditary breast ovarian cancer syndrome. Last evaluated: 2024-01-18. Review status: criteria provided, single submitter. Criteria: Invitae Variant Classification Sherloc (09022015). Collection method: clinical testing. Allele origin: germline.
Comment: This sequence change replaces valine, which is neutral and non-polar, with aspartic acid, which is acidic and polar, at codon 1186 of the BRCA2 protein (p.Val1186Asp). This variant is not present in population databases (gnomAD no frequency). This variant has not been reported in the literature in individuals affected with BRCA2-related conditions. Advanced modeling of protein sequence and biophysical properties (such as structural, functional, and spatial information, amino acid conservation, physicochemical variation, residue mobility, and thermodynamic stability) performed at Invitae indicates that this missense variant is not expected to disrupt BRCA2 protein function with a negative predictive value of 95%. In summary, the available evidence is currently insufficient to determine the role of this variant in disease. Therefore, it has been classified as a Variant of Uncertain Significance.

NM_000059.4(BRCA2):c.3557T>A (p.Val1186Asp)

Gene: BRCA2 (BRCA2 DNA repair associated; plus strand). Cytogenetic location: 13q13.1.
Variant type: single nucleotide variant.
Coding change: c.3557T>A on transcript NM_000059.4 (MANE Select); coding-DNA position 3557, T replaced by A.
Protein change: p.Val1186Asp; replaces valine 1186 with aspartic acid.
Molecular consequence: missense variant. On other transcripts: non-coding transcript variant (1), intron variant (2).
Genome position (GRCh38, 1-based): chr13:32,337,912, T>A. VCF-style: chr13-32337912-T-A. GRCh37 (hg19) VCF-style: chr13-32912049-T-A.
Other names: c.3557T>A, p.Val1186Asp (NM_001406719.1, NM_001406720.1); c.1909+4525T>A (NM_001406721.1); c.425-6646T>A (NM_001406722.1); short protein forms V1186D.
Identifiers: ClinVar variation 2710068 (VCV002710068.3), dbSNP rs754382544, ClinGen allele CA387777259.